The following is an entry in ClinVar:

ClinVar aggregate classification (germline): Uncertain significance (1 of 4 stars; one submission).

Submission:

Women's Health and Genetics/Laboratory Corporation of America, LabCorp
Classification: Uncertain significance. Last evaluated: 2025-10-10. Review status: criteria provided, single submitter. Criteria: LabCorp Variant Classification Summary - May 2015. Collection method: clinical testing. Allele origin: germline.
Comment: Variant summary: AEBP1 c.3346G>A (p.Glu1116Lys) results in a conservative amino acid change in the encoded protein sequence. Algorithms developed to predict the effect of missense changes on protein structure and function are either unavailable or do not agree on the potential impact of this missense change. The variant was absent in 251218 control chromosomes. The available data on variant occurrences in the general population are insufficient to allow any conclusion about variant significance. To our knowledge, no occurrence of c.3346G>A in individuals affected with AEBP1-related conditions and no experimental evidence demonstrating its impact on protein function have been reported. No submitters have cited clinical-significance assessments for this variant to ClinVar. Based on the evidence outlined above, the variant was classified as uncertain significance.

NM_001129.5(AEBP1):c.3346G>A (p.Glu1116Lys)

Gene: AEBP1 (AE binding protein 1; plus strand). Cytogenetic location: 7p13.
Variant type: single nucleotide variant.
Coding change: c.3346G>A on transcript NM_001129.5 (MANE Select); coding-DNA position 3346, G replaced by A.
Protein change: p.Glu1116Lys; replaces glutamic acid 1116 with lysine.
Molecular consequence: missense variant.
Genome position (GRCh38, 1-based): chr7:44,114,130, G>A. VCF-style: chr7-44114130-G-A. GRCh37 (hg19) VCF-style: chr7-44153729-G-A.
Other names: short protein forms E1116K.
Identifiers: ClinVar variation 4687366 (VCV004687366.1).